The following is an entry in ClinVar:

ClinVar aggregate classification (germline): Uncertain significance (1 of 4 stars; one submission).

Conditions:
POLR2A-related disorder. Also called: POLR2A-related condition.

Submission:

PreventionGenetics, part of Exact Sciences
Classification: Uncertain significance for POLR2A-related condition. Last evaluated: 2025-09-15. Review status: criteria provided, single submitter. Criteria: ACMG Guidelines, 2015. Collection method: clinical testing. Allele origin: germline.
Comment: The POLR2A c.5405C>A variant is predicted to result in the amino acid substitution p.Pro1802Gln. To our knowledge, this variant has not been reported in the literature or in a large population database (gnomAD), indicating this variant is rare. At this time, the clinical significance of this variant is uncertain due to the absence of conclusive functional and genetic evidence.

NM_000937.5(POLR2A):c.5405C>A (p.Pro1802Gln)

Gene: POLR2A (RNA polymerase II subunit A; plus strand). Cytogenetic location: 17p13.1.
Variant type: single nucleotide variant.
Coding change: c.5405C>A on transcript NM_000937.5 (MANE Select); coding-DNA position 5405, C replaced by A.
Protein change: p.Pro1802Gln; replaces proline 1802 with glutamine.
Molecular consequence: missense variant.
Genome position (GRCh38, 1-based): chr17:7,513,669, C>A. VCF-style: chr17-7513669-C-A. GRCh37 (hg19) VCF-style: chr17-7416988-C-A.
Other names: short protein forms P1802Q.
Identifiers: ClinVar variation 4996334 (VCV004996334.1).